The following is an entry in ClinVar:

NM_004341.5(CAD):c.5464C>T (p.Pro1822Ser)

Gene: CAD (carbamoyl-phosphate synthetase 2, aspartate transcarbamylase, and dihydroorotase; plus strand). Cytogenetic location: 2p23.3.
Variant type: single nucleotide variant.
Coding change: c.5464C>T on transcript NM_004341.5 (MANE Select); coding-DNA position 5464, C replaced by T.
Protein change: p.Pro1822Ser; replaces proline 1822 with serine.
Molecular consequence: missense variant.
Genome position (GRCh38, 1-based): chr2:27,239,766, C>T. VCF-style: chr2-27239766-C-T. GRCh37 (hg19) VCF-style: chr2-27462634-C-T.
Other names: c.5464C>T (NM_004341.3); c.5275C>T, p.Pro1759Ser (NM_001306079.2); short protein forms P1759S, P1822S.
Identifiers: ClinVar variation 1397535 (VCV001397535.5), dbSNP rs758988403, ClinGen allele CA1573871.

ClinVar aggregate classification (germline): Uncertain significance. Review status: criteria provided, multiple submitters, no conflicts (2 of 4 stars). 2 submissions from 2 submitters: Uncertain significance (2). Last evaluated 2025-08-25.

Conditions:
Inborn genetic diseases. Identifiers: MedGen C0950123, MeSH D030342.

Allele frequency attached by ClinVar (database versions not stated): gnomAD 0.00001; TOPMed 0.00001; gnomAD exomes 0.00003 and 0.00004; ExAC 0.00006.
gnomAD v4.1: 46 of 1,581,728 alleles (0.0029%); highest among the groups gnomAD compares: Middle Eastern, 0.1%; no homozygotes.

Submissions (2):

Ambry Genetics
Classification: Uncertain significance for Inborn genetic diseases. Last evaluated: 2025-08-25. Review status: criteria provided, single submitter. Criteria: Ambry Variant Classification Scheme 2023. Collection method: clinical testing. Allele origin: germline.

Labcorp Genetics (formerly Invitae), Labcorp
Classification: Uncertain significance. Last evaluated: 2022-07-27. Review status: criteria provided, single submitter. Criteria: Invitae Variant Classification Sherloc (09022015). Collection method: clinical testing. Allele origin: germline.
Comment: This sequence change replaces proline, which is neutral and non-polar, with serine, which is neutral and polar, at codon 1822 of the CAD protein (p.Pro1822Ser). This variant is present in population databases (rs758988403, gnomAD 0.009%). This variant has not been reported in the literature in individuals affected with CAD-related conditions. ClinVar contains an entry for this variant (Variation ID: 1397535). Algorithms developed to predict the effect of missense changes on protein structure and function (SIFT, PolyPhen-2, Align-GVGD) all suggest that this variant is likely to be tolerated. In summary, the available evidence is currently insufficient to determine the role of this variant in disease. Therefore, it has been classified as a Variant of Uncertain Significance.